The following is an entry in ClinVar:

ClinVar aggregate classification (germline): Conflicting classifications of pathogenicity. Review status: criteria provided, conflicting classifications (1 of 4 stars). 2 submissions from 2 submitters: Likely pathogenic (1); Uncertain significance (1). Last evaluated 2021-11-29.

Conditions:
Cardiovascular phenotype. Identifiers: MedGen CN230736.

Submissions (2):

Ambry Genetics
Classification: Uncertain significance for Cardiovascular phenotype. Last evaluated: 2021-11-29. Review status: criteria provided, single submitter. Criteria: Ambry Variant Classification Scheme 2023. Collection method: clinical testing. Allele origin: germline.
Comment: The p.T52A variant (also known as c.154A>G), located in coding exon 2 of the ACVRL1 gene, results from an A to G substitution at nucleotide position 154. The threonine at codon 52 is replaced by alanine, an amino acid with similar properties. This alteration has been reported in a few individuals with concerns for hereditary hemorrhagic telangiectasia (HHT) (Bossler AD et al. Hum Mutat, 2006 Jul;27:667-75; Ambry internal data; GeneDx pers. comm.). Based on internal structural analysis, this alteration disrupts the stabilizing interactions for ACVRL1 (Scotti C et al. PLoS ONE, 2011 Oct;6:e26431; Townson SA et al. J. Biol. Chem., 2012 Aug;287:27313-25). This amino acid position is well conserved in available vertebrate species. In addition, this alteration is predicted to be deleterious by in silico analysis. Since supporting evidence is limited at this time, the clinical significance of this alteration remains unclear.

GeneDx
Classification: Likely pathogenic. Last evaluated: 2020-01-31. Review status: criteria provided, single submitter. Criteria: GeneDx Variant Classification Process June 2021. Collection method: clinical testing. Allele origin: germline. Affected: yes.
Comment: In silico analysis, which includes protein predictors and evolutionary conservation, supports a deleterious effect; Not observed in large population cohorts (Lek et al., 2016); This variant is associated with the following publications: (PMID: 22028876, 22718755, 16752392)

Literature cited by the submitters: PubMed 16752392 (cited by Ambry Genetics); PubMed 22028876 (cited by Ambry Genetics); PubMed 22718755 (cited by Ambry Genetics).

NM_000020.3(ACVRL1):c.154A>G (p.Thr52Ala)

Gene: ACVRL1 (activin A receptor like type 1; plus strand). Cytogenetic location: 12q13.13.
Variant type: single nucleotide variant.
Coding change: c.154A>G on transcript NM_000020.3 (MANE Select); coding-DNA position 154, A replaced by G.
Protein change: p.Thr52Ala; replaces threonine 52 with alanine.
Molecular consequence: missense variant.
Genome position (GRCh38, 1-based): chr12:51,913,191, A>G. VCF-style: chr12-51913191-A-G. GRCh37 (hg19) VCF-style: chr12-52306975-A-G.
Other names: c.154A>G, p.Thr52Ala (NM_001077401.2); short protein forms T52A.
Identifiers: ClinVar variation 429370 (VCV000429370.5), dbSNP rs1131691346, ClinGen allele CA384897738.